The following is an entry in ClinVar:

NM_001374828.1(ARID1B):c.4816G>A (p.Gly1606Ser)

Gene: ARID1B (AT-rich interaction domain 1B; plus strand). Cytogenetic location: 6q25.3.
Variant type: single nucleotide variant.
Coding change: c.4816G>A on transcript NM_001374828.1 (MANE Select); coding-DNA position 4816, G replaced by A.
Protein change: p.Gly1606Ser; replaces glycine 1606 with serine.
Molecular consequence: missense variant.
Genome position (GRCh38, 1-based): chr6:157,201,041, G>A. VCF-style: chr6-157201041-G-A. GRCh37 (hg19) VCF-style: chr6-157522175-G-A.
Other names: c.4567G>A, p.Gly1523Ser (NM_001346813.1); c.2317G>A, p.Gly773Ser (NM_001363725.2); c.4696G>A, p.Gly1566Ser (NM_001371656.1, NM_001374820.1); c.4657G>A, p.Gly1553Ser (NM_017519.3); c.4447G>A, p.Gly1483Ser (NM_020732.3); c.4234G>A, p.Gly1412Ser (NM_175863.2); short protein forms G1553S, G1606S, G1523S, G1412S, G1483S, G1566S, G773S.
Identifiers: ClinVar variation 2146404 (VCV002146404.6), dbSNP rs977397943, ClinGen allele CA150370153.
Genomic context (GRCh38, chr6:157,201,041, plus strand): 5'-AATATGTGGGCAGCACGCAATGATATGCCTTATCCCTACCAGAACAGGCAGGGCCCTGGC[G>A]GCCCTACACAGGCGCCCCCTTACCCAGGCATGAACCGCACAGACGATATGATGGTACCCG-3'
Protein context (NP_001361757.1, residues 1596-1616): YPYQNRQGPG[Gly1606Ser]PTQAPPYPGM

ClinVar aggregate classification (germline): Conflicting classifications of pathogenicity. Review status: criteria provided, conflicting classifications (1 of 4 stars). 3 submissions from 3 submitters: Uncertain significance (1); Likely benign (2). Last evaluated 2026-07-01.

Conditions:
Inborn genetic diseases. Identifiers: MedGen C0950123, MeSH D030342.

Allele frequency attached by ClinVar (database versions not stated): TOPMed 0.00003; gnomAD 0.00002; gnomAD exomes 0.00003.
gnomAD v4.1: 49 of 1,613,590 alleles (0.003%); highest among the groups gnomAD compares: Non-Finnish European, 0.004%; no homozygotes.

Submissions (3):

CeGaT Center for Human Genetics Tuebingen
Classification: Likely benign. Last evaluated: 2026-07-01. Review status: criteria provided, single submitter. Criteria: CeGaT Center For Human Genetics Tuebingen Variant Classification Criteria Version 2. Collection method: clinical testing. Allele origin: germline. Affected: yes. Observed: 1 variant allele.
Comment: ARID1B: BP4

Ambry Genetics
Classification: Likely benign for Inborn genetic diseases. Last evaluated: 2024-08-04. Review status: criteria provided, single submitter. Criteria: Ambry Variant Classification Scheme 2023. Collection method: clinical testing. Allele origin: germline.

Labcorp Genetics (formerly Invitae), Labcorp
Classification: Uncertain significance. Last evaluated: 2022-08-03. Review status: criteria provided, single submitter. Criteria: Invitae Variant Classification Sherloc (09022015). Collection method: clinical testing. Allele origin: germline.
Comment: In summary, the available evidence is currently insufficient to determine the role of this variant in disease. Therefore, it has been classified as a Variant of Uncertain Significance. Algorithms developed to predict the effect of missense changes on protein structure and function are either unavailable or do not agree on the potential impact of this missense change (SIFT: "Tolerated"; PolyPhen-2: "Possibly Damaging"; Align-GVGD: "Class C0"). This variant has not been reported in the literature in individuals affected with ARID1B-related conditions. This variant is present in population databases (no rsID available, gnomAD 0.003%). This sequence change replaces glycine, which is neutral and non-polar, with serine, which is neutral and polar, at codon 1483 of the ARID1B protein (p.Gly1483Ser).